The following is an entry in ClinVar:

NM_032444.4(SLX4):c.3965C>T (p.Ser1322Phe)

Gene: SLX4 (SLX4 structure-specific endonuclease subunit; minus strand). Cytogenetic location: 16p13.3.
Variant type: single nucleotide variant.
Coding change: c.3965C>T on transcript NM_032444.4 (MANE Select); coding-DNA position 3965, C replaced by T.
Protein change: p.Ser1322Phe; replaces serine 1322 with phenylalanine.
Molecular consequence: missense variant.
Genome position (GRCh38, 1-based): chr16:3,589,673, G>A on the plus strand (C>T on the coding strand, the complement: SLX4 is on the minus strand). VCF-style: chr16-3589673-G-A. GRCh37 (hg19) VCF-style: chr16-3639674-G-A.
Other names: short protein forms S1322F.
Identifiers: ClinVar variation 2075011 (VCV002075011.4), dbSNP rs2548211800, ClinGen allele CA394518687.

ClinVar aggregate classification (germline): Uncertain significance (1 of 4 stars; one submission).

Conditions:
Fanconi anemia (FA). Also called: Fanconi's anemia. Identifiers: Orphanet 84, MedGen C0015625, MeSH D005199, MONDO:0019391.

Submission:

Labcorp Genetics (formerly Invitae), Labcorp
Classification: Uncertain significance for Fanconi anemia. Last evaluated: 2022-05-30. Review status: criteria provided, single submitter. Criteria: Invitae Variant Classification Sherloc (09022015). Collection method: clinical testing. Allele origin: germline.
Comment: This sequence change replaces serine, which is neutral and polar, with phenylalanine, which is neutral and non-polar, at codon 1322 of the SLX4 protein (p.Ser1322Phe). This variant is not present in population databases (gnomAD no frequency). This variant has not been reported in the literature in individuals affected with SLX4-related conditions. Algorithms developed to predict the effect of missense changes on protein structure and function are either unavailable or do not agree on the potential impact of this missense change (SIFT: "Tolerated"; PolyPhen-2: "Possibly Damaging"; Align-GVGD: "Class C0"). In summary, the available evidence is currently insufficient to determine the role of this variant in disease. Therefore, it has been classified as a Variant of Uncertain Significance.